The following is an entry in ClinVar:

ClinVar aggregate classification (germline): Uncertain significance (1 of 4 stars; one submission).

Conditions:
Multiple congenital anomalies-hypotonia-seizures syndrome 1 (MCAHS1). Also called: GLYCOSYLPHOSPHATIDYLINOSITOL BIOSYNTHESIS DEFECT 3; PIGN-CDG; Congenital disorder of glycosylation due to PIGN deficiency. Identifiers: Orphanet 280633, MedGen C3279775, MONDO:0013563, OMIM 614080.

Allele frequency attached by ClinVar (database versions not stated): gnomAD 0.00001; gnomAD exomes 0.00001; TOPMed 0.00001; ExAC 0.00002.
gnomAD v4.1: 10 of 1,613,168 alleles (0.00062%); highest among the groups gnomAD compares: Non-Finnish European, 0.00085%; no homozygotes.

Submission:

Labcorp Genetics (formerly Invitae), Labcorp
Classification: Uncertain significance for Multiple congenital anomalies-hypotonia-seizures syndrome 1. Last evaluated: 2022-05-25. Review status: criteria provided, single submitter. Criteria: Invitae Variant Classification Sherloc (09022015). Collection method: clinical testing. Allele origin: germline.
Comment: This sequence change replaces alanine, which is neutral and non-polar, with valine, which is neutral and non-polar, at codon 490 of the PIGN protein (p.Ala490Val). This variant is present in population databases (rs773012911, gnomAD 0.002%). This variant has not been reported in the literature in individuals affected with PIGN-related conditions. Algorithms developed to predict the effect of missense changes on protein structure and function output the following: SIFT: "Tolerated"; PolyPhen-2: "Benign"; Align-GVGD: "Class C0". The valine amino acid residue is found in multiple mammalian species, which suggests that this missense change does not adversely affect protein function. In summary, the available evidence is currently insufficient to determine the role of this variant in disease. Therefore, it has been classified as a Variant of Uncertain Significance.

NM_176787.5(PIGN):c.1469C>T (p.Ala490Val)

Gene: PIGN (phosphatidylinositol glycan anchor biosynthesis class N; minus strand). Cytogenetic location: 18q21.33.
Variant type: single nucleotide variant.
Coding change: c.1469C>T on transcript NM_176787.5 (MANE Select); coding-DNA position 1469, C replaced by T.
Protein change: p.Ala490Val; replaces alanine 490 with valine.
Molecular consequence: missense variant.
Genome position (GRCh38, 1-based): chr18:62,109,939, G>A on the plus strand (C>T on the coding strand, the complement: PIGN is on the minus strand). VCF-style: chr18-62109939-G-A. GRCh37 (hg19) VCF-style: chr18-59777172-G-A.
Other names: c.1469C>T, p.Ala490Val (NM_012327.6); short protein forms A490V.
Identifiers: ClinVar variation 2064649 (VCV002064649.1), dbSNP rs773012911, ClinGen allele CA8982277.